The following is an entry in ClinVar:

ClinVar aggregate classification (germline): Uncertain significance. Review status: criteria provided, multiple submitters, no conflicts (2 of 4 stars). 2 submissions from 2 submitters: Uncertain significance (2). Last evaluated 2025-11-18.

Conditions:
HSD17B4-related disorder. Also called: HSD17B4-related condition; HSD17B4-related disorders.
Bifunctional peroxisomal enzyme deficiency (DBIF). Also called: D-bifunctional protein deficiency; DBP DEFICIENCY; PBFE DEFICIENCY. Identifiers: Orphanet 300, MedGen C0342870, MONDO:0009855, OMIM 261515. Disease mechanism: loss of function.
Perrault syndrome. Also called: Gonadal dysgenesis with auditory dysfunction, autosomal recessive inheritance. Identifiers: Orphanet 2855, MedGen C0685838, MONDO:0017312.

Submissions (2):

Labcorp Genetics (formerly Invitae), Labcorp
Classification: Uncertain significance for Perrault syndrome; Bifunctional peroxisomal enzyme deficiency. Last evaluated: 2025-11-18. Review status: criteria provided, single submitter. Criteria: Invitae Variant Classification Sherloc (09022015). Collection method: clinical testing. Allele origin: germline.
Comment: This sequence change replaces lysine, which is basic and polar, with asparagine, which is neutral and polar, at codon 81 of the HSD17B4 protein (p.Lys81Asn). This variant is not present in population databases (gnomAD no frequency). This variant has not been reported in the literature in individuals affected with HSD17B4-related conditions. Invitae Evidence Modeling of protein sequence and biophysical properties (such as structural, functional, and spatial information, amino acid conservation, physicochemical variation, residue mobility, and thermodynamic stability) has been performed for this missense variant. However, the output from this modeling did not meet the statistical confidence thresholds required to predict the impact of this variant on HSD17B4 protein function. In summary, the available evidence is currently insufficient to determine the role of this variant in disease. Therefore, it has been classified as a Variant of Uncertain Significance.

PreventionGenetics, part of Exact Sciences
Classification: Uncertain significance for HSD17B4-related condition. Last evaluated: 2025-01-29. Review status: criteria provided, single submitter. Criteria: ACMG Guidelines, 2015. Collection method: clinical testing. Allele origin: germline.
Comment: The HSD17B4 c.243G>C variant is predicted to result in the amino acid substitution p.Lys81Asn. To our knowledge, this variant has not been reported in the literature or in a large population database (gnomAD), indicating this variant is rare. At this time, the clinical significance of this variant is uncertain due to the absence of conclusive functional and genetic evidence.

NM_000414.4(HSD17B4):c.243G>C (p.Lys81Asn)

Gene: HSD17B4 (hydroxysteroid 17-beta dehydrogenase 4; plus strand). Cytogenetic location: 5q23.1.
Variant type: single nucleotide variant.
Coding change: c.243G>C on transcript NM_000414.4 (MANE Select); coding-DNA position 243, G replaced by C.
Protein change: p.Lys81Asn; replaces lysine 81 with asparagine.
Molecular consequence: missense variant. On other transcripts: 5 prime UTR variant (6), non-coding transcript variant (2).
Genome position (GRCh38, 1-based): chr5:119,474,423, G>C. VCF-style: chr5-119474423-G-C. GRCh37 (hg19) VCF-style: chr5-118810118-G-C.
Other names: c.243G>C (NM_000414.3); c.318G>C, p.Lys106Asn (NM_001199291.3); c.189G>C, p.Lys63Asn (NM_001199292.2); c.171G>C, p.Lys57Asn (NM_001292027.2); c.-169G>C (NM_001292028.2, NM_001374501.1, NM_001374502.1 and 1 more transcripts); c.243G>C, p.Lys81Asn (NM_001374497.1, NM_001374498.1); c.-38G>C (NM_001374499.1); c.-296G>C (NM_001374500.1); short protein forms K57N, K63N, K106N, K81N.
Identifiers: ClinVar variation 4789482 (VCV004789482.2).